The following is an entry in ClinVar:

NM_003107.3(SOX4):c.339G>A (p.Glu113=)

Gene: SOX4 (SRY-box transcription factor 4; plus strand). Cytogenetic location: 6p22.3.
Variant type: single nucleotide variant.
Coding change: c.339G>A on transcript NM_003107.3 (MANE Select); coding-DNA position 339, G replaced by A.
Protein change: p.Glu113=; no amino-acid change (glutamic acid 113 retained).
Molecular consequence: synonymous variant.
Genome position (GRCh38, 1-based): chr6:21,594,873, G>A. VCF-style: chr6-21594873-G-A. GRCh37 (hg19) VCF-style: chr6-21595104-G-A.
Identifiers: ClinVar variation 717854 (VCV000717854.7), dbSNP rs148624484, ClinGen allele CA3653571.

ClinVar aggregate classification (germline): Benign/Likely benign. Review status: criteria provided, multiple submitters, no conflicts (2 of 4 stars). 2 submissions from 2 submitters: Benign (1); Likely benign (1). Last evaluated 2026-03-01.

Allele frequency attached by ClinVar (database versions not stated): gnomAD exomes 0.00013 and 0.00031; ExAC 0.00046; 1000 Genomes Project 30x 0.00062; 1000 Genomes Project 0.00080; gnomAD 0.00113 and 0.00121; ESP Exome Variant Server 0.00123; TOPMed 0.00142.
gnomAD v4.1: 377 of 1,612,730 alleles (0.023%); highest among the groups gnomAD compares: African/African-American, 0.4%; no homozygotes.

Submissions (2):

CeGaT Center for Human Genetics Tuebingen
Classification: Likely benign. Last evaluated: 2026-03-01. Review status: criteria provided, single submitter. Criteria: CeGaT Center For Human Genetics Tuebingen Variant Classification Criteria Version 2. Collection method: clinical testing. Allele origin: germline. Affected: yes. Observed: 1 variant allele.
Comment: SOX4: BP4, BP7

Labcorp Genetics (formerly Invitae), Labcorp
Classification: Benign. Last evaluated: 2018-02-25. Review status: criteria provided, single submitter. Criteria: Invitae Variant Classification Sherloc (09022015). Collection method: clinical testing. Allele origin: germline.